The following is an entry in ClinVar:

ClinVar aggregate classification (germline): Uncertain significance. Review status: reviewed by expert panel (3 of 4 stars). 2 submissions from 2 submitters: Uncertain significance (1). 1 of the submissions does not count toward it. Last evaluated 2025-09-29.

Conditions:
Leber congenital amaurosis 4 (LCA4). Identifiers: MedGen C1858386, MONDO:0011458, OMIM 604393.
AIPL1-related retinopathy. Also called: AIPL1 retinopathy. Identifiers: MedGen CN305590, MONDO:0100438.

Allele frequency attached by ClinVar (database versions not stated): ExAC 0.00002; TOPMed 0.00002; ESP Exome Variant Server 0.00015.

Submissions (2):

ClinGen Leber Congenital Amaurosis/early Onset Retinal Dystrophy Variant Curation Expert Panel, ClinGen
Classification: Uncertain significance for AIPL1-related retinopathy. Last evaluated: 2025-09-29. Review status: reviewed by expert panel. Criteria: ClinGen LCAeoRD ACMG Specifications AIPL1 V1.0.0. Collection method: curation. Allele origin: germline. Inheritance: Autosomal recessive inheritance.
Comment: NM_014336.5(AIPL1):c.96+7G>T is a nucleotide substitution in intron 1, at position +7 of the donor sequence. The splicing impact predictor SpliceAI gives a delta score of 0.08, which is below the ClinGen LCA/eoRD VCEP recommended threshold of <0.1 and does not predict an impact on splicing (BP4). BP7 has not been applied due to the variant's position at +7 of the donor sequence, which is an excluded position. This variant is present in gnomAD v.4.1.0 at a total allele frequency of 6.196e-7, with 1 allele / 1614040 total alleles, which is lower than the ClinGen LCA/eoRD VCEP PM2_Supporting threshold of <0.0004 (PM2_Supporting). In summary, this variant meets the criteria to be classified as a VUS for AIPL1-related retinopathy based on the ACMG/AMP criteria applied, as specified by the ClinGen LCA/eoRD VCEP: BP4 and PM2_Supporting. (VCEP specifications version 1.0.0; date of approval 09/24/2025).

Labcorp Genetics (formerly Invitae), Labcorp
Classification: Likely benign for Leber congenital amaurosis 4. Last evaluated: 2023-09-08. Review status: criteria provided, single submitter. Criteria: Invitae Variant Classification Sherloc (09022015). Collection method: clinical testing. Allele origin: germline. Not counted in ClinVar's aggregate classification.

NM_014336.5(AIPL1):c.96+7G>T

Gene: AIPL1 (AIP like 1 HSP90 co-chaperone; minus strand). Cytogenetic location: 17p13.2.
Variant type: single nucleotide variant.
Coding change: c.96+7G>T on transcript NM_014336.5 (MANE Select); 7 bases into the intron after coding-DNA position 96, G replaced by T.
Molecular consequence: intron variant. On other transcripts: 5 prime UTR variant (1).
Genome position (GRCh38, 1-based): chr17:6,435,002, C>A on the plus strand (G>T on the coding strand, the complement: AIPL1 is on the minus strand). VCF-style: chr17-6435002-C-A. GRCh37 (hg19) VCF-style: chr17-6338322-C-A.
Other names: c.-73G>T (NM_001285402.2); c.96+7G>T (NM_001033055.3, NM_001285400.3, NM_001285399.3 and 3 more transcripts).
Identifiers: ClinVar variation 2973015 (VCV002973015.3), dbSNP rs370025894, ClinGen allele CA8328666.